The following is an entry in ClinVar:

ClinVar aggregate classification (germline): Pathogenic (1 of 4 stars; one submission).

Submission:

Labcorp Genetics (formerly Invitae), Labcorp
Classification: Pathogenic. Last evaluated: 2021-10-23. Review status: criteria provided, single submitter. Criteria: Invitae Variant Classification Sherloc (09022015). Collection method: clinical testing. Allele origin: germline.
Comment: For these reasons, this variant has been classified as Pathogenic. This variant has not been reported in the literature in individuals affected with FOXP1-related conditions. This variant is not present in population databases (ExAC no frequency). This sequence change creates a premature translational stop signal (p.Gln344Hisfs*117) in the FOXP1 gene. It is expected to result in an absent or disrupted protein product. Loss-of-function variants in FOXP1 are known to be pathogenic (PMID: 28735298).

Literature cited by the submitters: PubMed 28735298.

NM_001349338.3(FOXP1):c.1031_1032insT (p.Gln344fs)

Gene: FOXP1 (forkhead box P1; minus strand). Cytogenetic location: 3p13.
Variant type: Insertion.
Coding change: c.1031_1032insT on transcript NM_001349338.3 (MANE Select); coding-DNA positions 1031 to 1032, T inserted.
Protein change: p.Gln344fs; shifts the reading frame from glutamine 344.
Molecular consequence: frameshift variant.
Genome position: GRCh38 VCF-style: chr3-71001002-T-TA. GRCh37 (hg19) VCF-style: chr3-71050153-T-TA.
Other names: c.1031_1032insT, p.Gln344fs (NM_001244808.3, NM_001244810.2, NM_001244814.3 and 3 more transcripts); c.803_804insT, p.Gln268fs (NM_001244812.3); c.731_732insT, p.Gln244fs (NM_001244813.3, NM_001244815.2, NM_001349342.3 and 1 more transcripts); c.728_729insT, p.Gln243fs (NM_001349337.2, NM_001349343.3, NM_001349344.3); c.1028_1029insT, p.Gln343fs (NM_001349341.3); short protein forms Q244fs, Q268fs, Q343fs, Q344fs, Q243fs.
Identifiers: ClinVar variation 1457940 (VCV001457940.6), dbSNP rs2107612882, ClinGen allele CA2573137470.